The following is an entry in ClinVar:

NM_003000.3(SDHB):c.743A>G (p.Asn248Ser)

Gene: SDHB (succinate dehydrogenase complex iron sulfur subunit B; minus strand). Cytogenetic location: 1p36.13.
Variant type: single nucleotide variant.
Coding change: c.743A>G on transcript NM_003000.3 (MANE Select); coding-DNA position 743, A replaced by G.
Protein change: p.Asn248Ser; replaces asparagine 248 with serine.
Molecular consequence: missense variant.
Genome position (GRCh38, 1-based): chr1:17,022,630, T>C on the plus strand (A>G on the coding strand, the complement: SDHB is on the minus strand). VCF-style: chr1-17022630-T-C. GRCh37 (hg19) VCF-style: chr1-17349125-T-C.
Other names: short protein forms N248S.
Identifiers: ClinVar variation 1023033 (VCV001023033.5), dbSNP rs2077968083, ClinGen allele CA338270063.
Genomic context (GRCh38, chr1:17,022,630, plus strand): 5'-GCTCTGAGGCAGAGCTGAGGGTCACCAGCCCCACGTACCTTAGGACAGGTCCTTGTGCAG[T>C]TCATGATGGTGTGGCAGCGGTATAGAGAGAATGGGTCCTGCAGCTTGGCCAGGCGCTCCT-3'
Protein context (NP_002991.2, residues 238-258): FSLYRCHTIM[Asn248Ser]CTRTCPKGLN

ClinVar aggregate classification (germline): Uncertain significance (1 of 4 stars; one submission).

Conditions:
Pheochromocytoma. Also called: MAX-Related Hereditary Paraganglioma-Pheochromocytoma Syndrome. Identifiers: Orphanet 29072, MedGen C0031511, MONDO:0008233, OMIM 171300, HP:0002666.
Gastrointestinal stromal tumor. Also called: Gastrointestinal stromal tumor, somatic; Gastrointestinal stroma tumor. Identifiers: Orphanet 44890, MedGen C0238198, MeSH D046152, MONDO:0011719, OMIM 606764, HP:0100723.
Pheochromocytoma/paraganglioma syndrome 4. Also called: CAROTID BODY TUMORS AND MULTIPLE EXTRAADRENAL PHEOCHROMOCYTOMAS; SDHB-Related Hereditary Paraganglioma-Pheochromocytoma Syndrome (Paragangliomas 4); Paragangliomas 4; SDHB-Related Hereditary Paraganglioma-Pheochromocytoma Syndrome; PARAGANGLIOMA, FAMILIAL MALIGNANT; PARAGANGLIOMAS, HEREDITARY EXTRAADRENAL. Identifiers: Orphanet 29072, MedGen C1861848, MONDO:0007273, OMIM 115310.

Submission:

Labcorp Genetics (formerly Invitae), Labcorp
Classification: Uncertain significance for Gastrointestinal stromal tumor; Pheochromocytoma/paraganglioma syndrome 4; Pheochromocytoma. Last evaluated: 2023-08-04. Review status: criteria provided, single submitter. Criteria: Invitae Variant Classification Sherloc (09022015). Collection method: clinical testing. Allele origin: germline.
Comment: In summary, the available evidence is currently insufficient to determine the role of this variant in disease. Therefore, it has been classified as a Variant of Uncertain Significance. Advanced modeling of protein sequence and biophysical properties (such as structural, functional, and spatial information, amino acid conservation, physicochemical variation, residue mobility, and thermodynamic stability) performed at Invitae indicates that this missense variant is not expected to disrupt SDHB protein function. ClinVar contains an entry for this variant (Variation ID: 1023033). This variant has not been reported in the literature in individuals affected with SDHB-related conditions. This variant is not present in population databases (gnomAD no frequency). This sequence change replaces asparagine, which is neutral and polar, with serine, which is neutral and polar, at codon 248 of the SDHB protein (p.Asn248Ser).